The following is an entry in ClinVar:

NM_144670.6(A2ML1):c.3936G>A (p.Thr1312=)

Gene: A2ML1 (alpha-2-macroglobulin like 1; plus strand). Cytogenetic location: 12p13.31.
Variant type: single nucleotide variant.
Coding change: c.3936G>A on transcript NM_144670.6 (MANE Select); coding-DNA position 3936, G replaced by A.
Protein change: p.Thr1312=; no amino-acid change (threonine 1312 retained).
Molecular consequence: synonymous variant.
Genome position (GRCh38, 1-based): chr12:8,868,232, G>A. VCF-style: chr12-8868232-G-A. GRCh37 (hg19) VCF-style: chr12-9020828-G-A.
Other names: c.3936G>A (NM_144670.5); c.2463G>A, p.Thr821= (NM_001282424.3).
Identifiers: ClinVar variation 1351577 (VCV001351577.10), dbSNP rs375784426, ClinGen allele CA6436533.

ClinVar aggregate classification (germline): Uncertain significance. Review status: criteria provided, single submitter (1 of 4 stars). 2 submissions from 2 submitters: Uncertain significance (1). 1 of the submissions does not count toward it. Last evaluated 2025-12-21.

Conditions:
A2ML1-related disorder. Also called: A2ML1-related condition.

Allele frequency attached by ClinVar (database versions not stated): gnomAD 0.00001; gnomAD exomes 0.00001 and 0.00003; TOPMed 0.00002; ExAC 0.00004; ESP Exome Variant Server 0.00008.
gnomAD v4.1: 21 of 1,613,714 alleles (0.0013%); highest among the groups gnomAD compares: South Asian, 0.0099%; no homozygotes.

Submissions (2):

Labcorp Genetics (formerly Invitae), Labcorp
Classification: Uncertain significance. Last evaluated: 2025-12-21. Review status: criteria provided, single submitter. Criteria: Invitae Variant Classification Sherloc (09022015). Collection method: clinical testing. Allele origin: germline.
Comment: This sequence change affects codon 1312 of the A2ML1 mRNA. It is a 'silent' change, meaning that it does not change the encoded amino acid sequence of the A2ML1 protein. This variant is present in population databases (rs375784426, gnomAD 0.02%). This variant has not been reported in the literature in individuals affected with A2ML1-related conditions. ClinVar contains an entry for this variant (Variation ID: 1351577). Algorithms developed to predict the effect of sequence changes on RNA splicing suggest that this variant may disrupt the consensus splice site. In summary, the available evidence is currently insufficient to determine the role of this variant in disease. Therefore, it has been classified as a Variant of Uncertain Significance.

PreventionGenetics, part of Exact Sciences
Classification: Likely benign for A2ML1-related condition. Last evaluated: 2019-02-22. Review status: no assertion criteria provided. Collection method: clinical testing. Allele origin: germline. Not counted in ClinVar's aggregate classification.
Comment: This variant is classified as likely benign based on ACMG/AMP sequence variant interpretation guidelines (Richards et al. 2015 PMID: 25741868, with internal and published modifications).